The following is an entry in ClinVar:

ClinVar aggregate classification (germline): Uncertain significance (1 of 4 stars; one submission).

Conditions:
HNF1B-related disorder. Also called: HNF1B-related condition; HNF1B-related disorders.

Submission:

PreventionGenetics, part of Exact Sciences
Classification: Uncertain significance for HNF1B-related condition. Last evaluated: 2025-09-26. Review status: criteria provided, single submitter. Criteria: ACMG Guidelines, 2015. Collection method: clinical testing. Allele origin: germline.
Comment: The HNF1B c.1003C>A variant is predicted to result in the amino acid substitution p.Pro335Thr. To our knowledge, this variant has not been reported in the literature or in a large population database (gnomAD), indicating this variant is rare. At this time, the clinical significance of this variant is uncertain due to the absence of conclusive functional and genetic evidence.

NM_000458.4(HNF1B):c.1003C>A (p.Pro335Thr)

Gene: HNF1B (HNF1 homeobox B; minus strand). Cytogenetic location: 17q12.
Variant type: single nucleotide variant.
Coding change: c.1003C>A on transcript NM_000458.4 (MANE Select); coding-DNA position 1003, C replaced by A.
Protein change: p.Pro335Thr; replaces proline 335 with threonine.
Molecular consequence: missense variant.
Genome position (GRCh38, 1-based): chr17:37,731,637, G>T on the plus strand (C>A on the coding strand, the complement: HNF1B is on the minus strand). VCF-style: chr17-37731637-G-T. GRCh37 (hg19) VCF-style: chr17-36091628-G-T.
Other names: c.925C>A, p.Pro309Thr (NM_001165923.4, NM_001304286.2); c.1003C>A, p.Pro335Thr (NM_001411100.1); short protein forms P309T, P335T.
Identifiers: ClinVar variation 4995230 (VCV004995230.1).
Genomic context (GRCh38, chr17:37,731,637, plus strand): 5'-GGCCCAACCTTTGCTTACCTGACAGCTTGTTTGGAGGAGAGGAGCTGGGCTGGTGGTGGG[G>T]GGAGCCGTGGGAGAGCAGAGGGTTCAGGCTGTGAGTCTGGTTGGAGCTATAGGCGTCCAT-3'
Protein context (NP_000449.1, residues 325-345): SLNPLLSHGS[Pro335Thr]HHQPSSSPPN